The following is an entry in ClinVar:

ClinVar aggregate classification (germline): Conflicting classifications of pathogenicity. Review status: criteria provided, conflicting classifications (1 of 4 stars). 7 submissions from 7 submitters: Uncertain significance (2); Likely benign (5). Last evaluated 2026-01-05.

Conditions:
KIF7-related disorder. Also called: KIF7-related condition.
Acrocallosal syndrome (ACLS). Also called: HALLUX DUPLICATION, POSTAXIAL POLYDACTYLY, AND ABSENCE OF CORPUS CALLOSUM; Schinzel syndrome 1; Absence of corpus callosum with unusual facial appearance, mental deficiency, duplication of the halluces and polydactyly. Identifiers: Orphanet 36, MedGen C0796147, MONDO:0008708, OMIM 200990.

Allele frequency attached by ClinVar (database versions not stated): 1000 Genomes Project 0.00200; ESP Exome Variant Server 0.00092; TOPMed 0.00131; 1000 Genomes Project 30x 0.00172.
gnomAD v4.1: 351 of 1,608,810 alleles (0.022%); highest among the groups gnomAD compares: African/African-American, 0.4%; 2 homozygotes.

Submissions (7):

Labcorp Genetics (formerly Invitae), Labcorp
Classification: Likely benign for Acrocallosal syndrome. Last evaluated: 2026-01-05. Review status: criteria provided, single submitter. Criteria: Invitae Variant Classification Sherloc (09022015). Collection method: clinical testing. Allele origin: germline.

Women's Health and Genetics/Laboratory Corporation of America, LabCorp
Classification: Likely benign. Last evaluated: 2024-12-26. Review status: criteria provided, single submitter. Criteria: LabCorp Variant Classification Summary - May 2015. Collection method: clinical testing. Allele origin: germline.
Comment: Variant summary: KIF7 c.2549G>T (p.Arg850Leu) results in a non-conservative amino acid change in the encoded protein sequence. Three of five in-silico tools predict a damaging effect of the variant on protein function. The variant allele was found at a frequency of 0.00022 in 1602052 control chromosomes, predominantly at a frequency of 0.004 within the African or African-American subpopulation in the gnomAD database, including 2 homozygotes. The observed variant frequency within African or African-American control individuals in the gnomAD database exceeds the estimated maximal expected allele frequency for a pathogenic variant in KIF7 causing Acrocallosal Syndrome/Joubert Syndrome 12 phenotype. The variant, c.2549G>T, has been reported in the literature in a presumed compound heterozygous individual affected with thoracic insufficiency syndrome (Strong_2023); however, the phase of the two reported KIF7 variants was not specified in this study, and variant co-occurrence analysis in gnomAD v2.1 indicates that the two variants are on the same haplotype in most individuals. These report(s) do not provide unequivocal conclusions about association of the variant with Acrocallosal Syndrome/Joubert Syndrome 12. To our knowledge, no experimental evidence demonstrating an impact on protein function has been reported. The following publication has been ascertained in the context of this evaluation (PMID: 36653407). ClinVar contains an entry for this variant (Variation ID: 596872). Based on the evidence outlined above, the variant was classified as likely benign.

PreventionGenetics, part of Exact Sciences
Classification: Likely benign for KIF7-related condition. Last evaluated: 2024-11-20. Review status: criteria provided, single submitter. Criteria: ACMG Guidelines, 2015. Collection method: clinical testing. Allele origin: germline.
Comment: This variant is classified as likely benign based on ACMG/AMP sequence variant interpretation guidelines (Richards et al. 2015 PMID: 25741868, with internal and published modifications).

Blueprint Genetics
Classification: Likely benign. Last evaluated: 2024-08-06. Review status: criteria provided, single submitter. Criteria: ACMG Guidelines, 2015. Collection method: clinical testing. Allele origin: germline.

GeneDx
Classification: Likely benign. Last evaluated: 2020-12-21. Review status: criteria provided, single submitter. Criteria: GeneDx Variant Classification Process June 2021. Collection method: clinical testing. Allele origin: germline. Affected: yes.

CeGaT Center for Human Genetics Tuebingen
Classification: Uncertain significance. Last evaluated: 2019-09-01. Review status: criteria provided, single submitter. Criteria: CeGaT Center For Human Genetics Tuebingen Variant Classification Criteria Version 2. Collection method: clinical testing. Allele origin: germline. Affected: yes. Observed: 1 variant allele.

Eurofins Ntd Llc (ga)
Classification: Uncertain significance. Last evaluated: 2018-05-02. Review status: criteria provided, single submitter. Criteria: EGL ClinVar v180209 classification definitions. Collection method: clinical testing. Allele origin: germline. Observed: 1 variant allele, 1 heterozygote.

Literature cited by the submitters: PubMed 36653407 (cited by Women's Health and Genetics/Laboratory Corporation of America, LabCorp).

NM_198525.3(KIF7):c.2549G>T (p.Arg850Leu)

Gene: KIF7 (kinesin family member 7; minus strand). Cytogenetic location: 15q26.1.
Variant type: single nucleotide variant.
Coding change: c.2549G>T on transcript NM_198525.3 (MANE Select); coding-DNA position 2549, G replaced by T.
Protein change: p.Arg850Leu; replaces arginine 850 with leucine.
Molecular consequence: missense variant.
Genome position (GRCh38, 1-based): chr15:89,633,729, C>A on the plus strand (G>T on the coding strand, the complement: KIF7 is on the minus strand). VCF-style: chr15-89633729-C-A. GRCh37 (hg19) VCF-style: chr15-90176960-C-A.
Other names: short protein forms R850L.
Identifiers: ClinVar variation 596872 (VCV000596872.61), dbSNP rs141514601, ClinGen allele CA7728103.